The following is an entry in ClinVar:

NM_001303256.3(MORC2):c.1462C>T (p.Arg488Trp)

Gene: MORC2 (MORC family CW-type zinc finger 2; minus strand). Cytogenetic location: 22q12.2.
Variant type: single nucleotide variant.
Coding change: c.1462C>T on transcript NM_001303256.3 (MANE Select); coding-DNA position 1462, C replaced by T.
Protein change: p.Arg488Trp; replaces arginine 488 with tryptophan.
Molecular consequence: missense variant.
Genome position (GRCh38, 1-based): chr22:30,937,619, G>A on the plus strand (C>T on the coding strand, the complement: MORC2 is on the minus strand). VCF-style: chr22-30937619-G-A. GRCh37 (hg19) VCF-style: chr22-31333606-G-A.
Other names: c.1462C>T, p.Arg488Trp (NM_001303257.2); c.1276C>T, p.Arg426Trp (NM_014941.3); short protein forms R488W, R426W.
Identifiers: ClinVar variation 1356161 (VCV001356161.8), dbSNP rs1356503784, ClinGen allele CA411237725.

ClinVar aggregate classification (germline): Uncertain significance. Review status: criteria provided, multiple submitters, no conflicts (2 of 4 stars). 2 submissions from 2 submitters: Uncertain significance (2). Last evaluated 2021-10-01.

Conditions:
Developmental delay, impaired growth, dysmorphic facies, and axonal neuropathy. Identifiers: MedGen C5436781, MONDO:0030835, OMIM 619090.
Charcot-Marie-Tooth disease axonal type 2Z. Also called: CHARCOT-MARIE-TOOTH DISEASE, AXONAL, AUTOSOMAL DOMINANT, TYPE 2Z; CHARCOT-MARIE-TOOTH NEUROPATHY, TYPE 2Z. Identifiers: Orphanet 466768, MedGen C5569025, MONDO:0014736, OMIM 616688.

Allele frequency attached by ClinVar (database versions not stated): gnomAD exomes below 0.00001.
gnomAD v4.1: 3 of 1,613,424 alleles (0.00019%); highest among the groups gnomAD compares: South Asian, 0.0011%; no homozygotes.

Submissions (2):

Labcorp Genetics (formerly Invitae), Labcorp
Classification: Uncertain significance for Charcot-Marie-Tooth disease axonal type 2Z. Last evaluated: 2021-10-01. Review status: criteria provided, single submitter. Criteria: Invitae Variant Classification Sherloc (09022015). Collection method: clinical testing. Allele origin: germline.
Comment: Advanced modeling of protein sequence and biophysical properties (such as structural, functional, and spatial information, amino acid conservation, physicochemical variation, residue mobility, and thermodynamic stability) performed at Invitae indicates that this missense variant is expected to disrupt MORC2 protein function. This sequence change replaces arginine with tryptophan at codon 488 of the MORC2 protein (p.Arg488Trp). The arginine residue is moderately conserved and there is a moderate physicochemical difference between arginine and tryptophan. This variant is not present in population databases (ExAC no frequency). This variant has not been reported in the literature in individuals affected with MORC2-related conditions. In summary, the available evidence is currently insufficient to determine the role of this variant in disease. Therefore, it has been classified as a Variant of Uncertain Significance.

Juno Genomics, Hangzhou Juno Genomics, Inc
Classification: Uncertain significance for Charcot-Marie-Tooth disease axonal type 2Z; Developmental delay, impaired growth, dysmorphic facies, and axonal neuropathy. Review status: criteria provided, single submitter. Criteria: ACMG Guidelines, 2015. Collection method: clinical testing. Allele origin: germline. Affected: yes.
Comment: Absent from controls (or at extremely low frequency if recessive) in Genome Aggregation Database, Exome Sequencing Project, 1000 Genomes Project, or Exome Aggregation Consortium.;Missense variant in a gene that has a low rate of benign missense variation and where missense variants are a common mechanism of disease.;Patient's phenotype or family history is highly specific for a disease with a single genetic etiology.